The following is an entry in ClinVar:

NM_000518.5(HBB):c.131A>C (p.Glu44Ala)

Genes: HBB (hemoglobin subunit beta; minus strand), LOC106099062 (HBB recombination region; plus strand), LOC107133510 (origin of replication at HBB; plus strand). Cytogenetic location: 11p15.4.
Variant type: single nucleotide variant.
Coding change: c.131A>C on transcript NM_000518.5 (MANE Select); coding-DNA position 131, A replaced by C.
Protein change: p.Glu44Ala; replaces glutamic acid 44 with alanine.
Molecular consequence: missense variant.
Genome position (GRCh38, 1-based): chr11:5,226,761, T>G on the plus strand (A>C on the coding strand, the complement: HBB is on the minus strand). VCF-style: chr11-5226761-T-G. GRCh37 (hg19) VCF-style: chr11-5247991-T-G.
Other names: E43A; short protein forms E44A.
Identifiers: ClinVar variation 15173 (VCV000015173.12), dbSNP rs35262412, ClinGen allele CA124857.
Genomic context (GRCh38, chr11:5,226,761, plus strand): 5'-TGAGCCTTCACCTTAGGGTTGCCCATAACAGCATCAGGAGTGGACAGATCCCCAAAGGAC[T>G]CAAAGAACCTCTGGGTCCAAGGGTAGACCACCAGCAGCCTAAGGGTGGGAAAATAGACCA-3'
Protein context (NP_000509.1, residues 34-54): VVYPWTQRFF[Glu44Ala]SFGDLSTPDA

ClinVar aggregate classification (germline): Conflicting classifications of pathogenicity. Review status: criteria provided, conflicting classifications (1 of 4 stars). 6 submissions from 4 submitters: Uncertain significance (2); Likely benign (1). 3 of the submissions do not count toward it. Last evaluated 2026-05-22.

Conditions:
HEMOGLOBIN G (TEXAS).
HEMOGLOBIN G (GALVESTON).
HEMOGLOBIN G (PORT ARTHUR).

Allele frequency attached by ClinVar (database versions not stated): gnomAD 0.00001; TOPMed 0.00001.
gnomAD v4.1: 1 of 1,613,918 alleles (0.000062%); highest among the groups gnomAD compares: African/African-American, 0.0013%; no homozygotes.

Submissions (6):

Women's Health and Genetics/Laboratory Corporation of America, LabCorp
Classification: Uncertain significance. Last evaluated: 2026-05-22. Review status: criteria provided, single submitter. Criteria: LabCorp Variant Classification Summary - May 2015. Collection method: clinical testing. Allele origin: germline.
Comment: Variant summary: HBB c.131A>C (p.Glu44Ala), also known as p.Glu43Ala or Hb G-Galveston, results in a non-conservative amino acid change in the encoded protein sequence. Algorithms developed to predict the effect of missense changes on protein structure and function are either unavailable or do not agree on the potential impact of this missense change. The variant was absent in 251398 control chromosomes. The available data on variant occurrences in the general population are insufficient to allow any conclusion about variant significance. c.131A>C has been observed in individual(s) without clinical symptoms (e.g. McCurdy_1974, HbVar database). These report(s) do not provide unequivocal conclusions about association of the variant with disease. To our knowledge, no experimental evidence demonstrating an impact on protein function has been reported. The following publication has been ascertained in the context of this evaluation (PMID: 4432868). ClinVar contains an entry for this variant (Variation ID: 15173). Based on the evidence outlined above, the variant was classified as uncertain significance.

Quest Diagnostics Nichols Institute San Juan Capistrano
Classification: Uncertain significance. Last evaluated: 2021-06-30. Review status: criteria provided, single submitter. Criteria: Quest Diagnostics criteria. Collection method: clinical testing. Allele origin: unknown.

ARUP Laboratories, Molecular Genetics and Genomics, ARUP Laboratories
Classification: Likely benign. Last evaluated: 2019-03-18. Review status: criteria provided, single submitter. Criteria: ARUP Molecular Germline Variant Investigation Process. Collection method: clinical testing. Allele origin: germline.
Comment: The Hb G-Galveston variant (HBB: c.131A>C; p.Glu44Ala, also known as Glu43Ala when numbered from the mature protein; rs35262412) has not been reported in association with clinical symptoms, either in a homozygous state or when found with other pathogenic beta globin variants (Edington 1955, McCurdy 1974, Michlitsch 2009, HbVar and references therein). This variant is absent from general population databases (Exome Variant Server, Genome Aggregation Database), but it is reported in ClinVar (Variation ID: 15173). The glutamate at codon 44 is weakly conserved, and computational analyses (SIFT, PolyPhen-2) predict that this variant is tolerated. Based on available information, the Hb G-Galveston variant is considered likely benign. References: Link to HbVar for Hb G-Galveston: Edington G et al. Characterization and genetics of haemoglobin G. Nature. 1955; 175(4463):850-1. McCurdy P et al. Hemoglobin S-G (S-D) syndrome. Am J Med. 1974; 57(4):665-70. Michlitsch J et al. Newborn screening for hemoglobinopathies in California. Pediatr Blood Cancer. 2009; 52(4):486-90.

OMIM
Classification: other for HEMOGLOBIN G (GALVESTON). Last evaluated: 2016-07-20. Review status: no assertion criteria provided. Collection method: literature only. Allele origin: germline. Not counted in ClinVar's aggregate classification.

OMIM
Classification: other for HEMOGLOBIN G (PORT ARTHUR). Last evaluated: 2016-07-20. Review status: no assertion criteria provided. Collection method: literature only. Allele origin: germline. Not counted in ClinVar's aggregate classification.

OMIM
Classification: other for HEMOGLOBIN G (TEXAS). Last evaluated: 2016-07-20. Review status: no assertion criteria provided. Collection method: literature only. Allele origin: germline. Not counted in ClinVar's aggregate classification.

Literature cited by the submitters: PubMed 4432868 (cited by Women's Health and Genetics/Laboratory Corporation of America, LabCorp and Quest Diagnostics Nichols Institute San Juan Capistrano); PubMed 27207683 (cited by Quest Diagnostics Nichols Institute San Juan Capistrano); Bowman, B. H., Moreland, H., Schneider, R. G. A new haemoglobin variant (G-Galveston). Nature 193: 1298-1300, 1962. (cited by OMIM); Bowman, B. H., Oliver, C. P., Barnett, D. R., Cunningham, J. E., Schneider, R. G. Chemical characterization of three hemoglobins G. Blood 23: 193-199, 1964. (cited by OMIM).